The following is an entry in ClinVar:

NM_016604.4(KDM3B):c.3505C>T (p.Pro1169Ser)

Gene: KDM3B (lysine demethylase 3B; plus strand). Cytogenetic location: 5q31.2.
Variant type: single nucleotide variant.
Coding change: c.3505C>T on transcript NM_016604.4 (MANE Select); coding-DNA position 3505, C replaced by T.
Protein change: p.Pro1169Ser; replaces proline 1169 with serine.
Molecular consequence: missense variant.
Genome position (GRCh38, 1-based): chr5:138,419,022, C>T. VCF-style: chr5-138419022-C-T. GRCh37 (hg19) VCF-style: chr5-137754711-C-T.
Other names: short protein forms P1169S.
Identifiers: ClinVar variation 776067 (VCV000776067.6), dbSNP rs114783842, ClinGen allele CA3429275.

ClinVar aggregate classification (germline): Benign. Review status: criteria provided, single submitter (1 of 4 stars). 2 submissions from 2 submitters: Benign (1). 1 of the submissions does not count toward it. Last evaluated 2019-12-31.

Conditions:
KDM3B-related disorder. Also called: KDM3B-related condition.

Allele frequency attached by ClinVar (database versions not stated): gnomAD exomes 0.00126 and 0.00336; ExAC 0.00431; gnomAD 0.01302 and 0.01374; ESP Exome Variant Server 0.01399; TOPMed 0.01523; 1000 Genomes Project 0.01837; 1000 Genomes Project 30x 0.01905.

Submissions (2):

Labcorp Genetics (formerly Invitae), Labcorp
Classification: Benign. Last evaluated: 2019-12-31. Review status: criteria provided, single submitter. Criteria: Invitae Variant Classification Sherloc (09022015). Collection method: clinical testing. Allele origin: germline.

PreventionGenetics, part of Exact Sciences
Classification: Benign for KDM3B-related condition. Last evaluated: 2019-10-29. Review status: no assertion criteria provided. Collection method: clinical testing. Allele origin: germline. Not counted in ClinVar's aggregate classification.
Comment: This variant is classified as benign based on ACMG/AMP sequence variant interpretation guidelines (Richards et al. 2015 PMID: 25741868, with internal and published modifications).